The following is an entry in ClinVar:

NM_012213.3(MLYCD):c.1382C>G (p.Thr461Arg)

Gene: MLYCD (malonyl-CoA decarboxylase; plus strand). Cytogenetic location: 16q23.3.
Variant type: single nucleotide variant.
Coding change: c.1382C>G on transcript NM_012213.3 (MANE Select); coding-DNA position 1382, C replaced by G.
Protein change: p.Thr461Arg; replaces threonine 461 with arginine.
Molecular consequence: missense variant.
Genome position (GRCh38, 1-based): chr16:83,915,389, C>G. VCF-style: chr16-83915389-C-G. GRCh37 (hg19) VCF-style: chr16-83948994-C-G.
Other names: short protein forms T461R.
Identifiers: ClinVar variation 2005355 (VCV002005355.4), dbSNP rs761683785, ClinGen allele CA396920612.

ClinVar aggregate classification (germline): Uncertain significance (1 of 4 stars; one submission).

Conditions:
Deficiency of malonyl-CoA decarboxylase. Also called: Malonic aciduria; MCD deficiency. Identifiers: Orphanet 943, MedGen C0342793, MONDO:0009556, OMIM 248360.

gnomAD v4.1: 1 of 1,613,894 alleles (0.000062%); highest among the groups gnomAD compares: Non-Finnish European, 0.000085%; no homozygotes.

Submission:

Labcorp Genetics (formerly Invitae), Labcorp
Classification: Uncertain significance for Deficiency of malonyl-CoA decarboxylase. Last evaluated: 2025-06-16. Review status: criteria provided, single submitter. Criteria: Invitae Variant Classification Sherloc (09022015). Collection method: clinical testing. Allele origin: germline.
Comment: This sequence change replaces threonine, which is neutral and polar, with arginine, which is basic and polar, at codon 461 of the MLYCD protein (p.Thr461Arg). This variant is not present in population databases (gnomAD no frequency). This variant has not been reported in the literature in individuals affected with MLYCD-related conditions. ClinVar contains an entry for this variant (Variation ID: 2005355). Invitae Evidence Modeling of protein sequence and biophysical properties (such as structural, functional, and spatial information, amino acid conservation, physicochemical variation, residue mobility, and thermodynamic stability) indicates that this missense variant is expected to disrupt MLYCD protein function with a positive predictive value of 95%. In summary, the available evidence is currently insufficient to determine the role of this variant in disease. Therefore, it has been classified as a Variant of Uncertain Significance.